The following is an entry in ClinVar:

Conditions:
Breast-ovarian cancer, familial, susceptibility to, 1 (BROVCA1). Also called: BRCA1 Hereditary Breast and Ovarian Cancer; OVARIAN CANCER, SUSCEPTIBILITY TO. Identifiers: Orphanet 145, MedGen C2676676, MONDO:0011450, OMIM 604370. Disease mechanism: loss of function.

Submission:

Brotman Baty Institute, University of Washington
No classification provided (evidence only). Condition: Breast-ovarian cancer, familial 1. Review status: no classification provided. Collection method: in vitro. Allele origin: not applicable. Functional consequence: functionally_normal.
ClinVar note: "not provided" was previously submitted as the classification for the variant. However, the classification appeared to be based only on an observation of functional data so it was converted to no classification on 2025-07-30.

NM_007294.4(BRCA1):c.73C>G (p.Pro25Ala)

Gene: BRCA1 (BRCA1 DNA repair associated; minus strand). Cytogenetic location: 17q21.31.
Variant type: single nucleotide variant.
Coding change: c.73C>G on transcript NM_007294.4 (MANE Select); coding-DNA position 73, C replaced by G.
Protein change: p.Pro25Ala; replaces proline 25 with alanine.
Molecular consequence: missense variant. On other transcripts: 5 prime UTR variant (1), non-coding transcript variant (1).
Genome position (GRCh38, 1-based): chr17:43,124,024, G>C on the plus strand (C>G on the coding strand, the complement: BRCA1 is on the minus strand). VCF-style: chr17-43124024-G-C. GRCh37 (hg19) VCF-style: chr17-41276041-G-C.
Other names: c.73C>G, p.Pro25Ala (NM_001407618.1, NM_001407619.1, NM_001407620.1 and 193 more transcripts); c.-185C>G (NM_001407694.1, NM_001407724.1, NM_001407727.1 and 11 more transcripts); c.-189C>G (NM_001407695.1, NM_001408465.1); c.-330C>G (NM_001407696.1); c.-214C>G (NM_001407697.1, NM_001407846.1, NM_001407920.1); c.-15C>G (NM_001407698.1, NM_001407732.1, NM_001407736.1 and 23 more transcripts); c.-188C>G (NM_001407725.1, NM_001407730.1, NM_001407734.1 and 22 more transcripts); c.-134C>G (NM_001407726.1, NM_001407751.1); and 8 more; short protein forms P25A.
Identifiers: ClinVar variation 865063 (VCV000865063.3), dbSNP rs397509313, ClinGen allele CA10602011.
Genomic context (GRCh38, chr17:43,124,024, plus strand): 5'-CATAGGAGATAATCATAGGAATCCCAAATTAATACACTCTTGTGCTGACTTACCAGATGG[G>C]ACACTCTAAGATTTTCTGCATAGCATTAATGACATTTTGTACTTCTTCAACGCGAAGAGC-3'
Protein context (NP_009225.1, residues 15-35): INAMQKILEC[Pro25Ala]ICLELIKEPV